The following is an entry in ClinVar:

ClinVar aggregate classification (germline): Likely benign (1 of 4 stars; one submission).

Allele frequency attached by ClinVar (database versions not stated): 1000 Genomes Project 30x 0.00078.
gnomAD v4.1: 124 of 1,303,848 alleles (0.0095%); highest among the groups gnomAD compares: East Asian, 0.11%; 1 homozygote.

Submission:

CeGaT Center for Human Genetics Tuebingen
Classification: Likely benign. Last evaluated: 2022-09-01. Review status: criteria provided, single submitter. Criteria: CeGaT Center For Human Genetics Tuebingen Variant Classification Criteria Version 2. Collection method: clinical testing. Allele origin: germline. Affected: yes. Observed: 1 variant allele.
Comment: ARHGAP40: BP4, BP7

NM_001164431.3(ARHGAP40):c.579C>T (p.Gly193=)

Gene: ARHGAP40 (Rho GTPase activating protein 40; plus strand). Cytogenetic location: 20q11.23.
Variant type: single nucleotide variant.
Coding change: c.579C>T on transcript NM_001164431.3 (MANE Select); coding-DNA position 579, C replaced by T.
Protein change: p.Gly193=; no amino-acid change (glycine 193 retained).
Molecular consequence: synonymous variant.
Genome position (GRCh38, 1-based): chr20:38,628,947, C>T. VCF-style: chr20-38628947-C-T. GRCh37 (hg19) VCF-style: chr20-37257590-C-T.
Identifiers: ClinVar variation 2652321 (VCV002652321.24), dbSNP rs6070809, ClinGen allele CA9854975.
Genomic context (GRCh38, chr20:38,628,947, plus strand): 5'-TCCCACATGAGTAATTGGGCACTGTCTGTAATTTGCATAGAAAATGTCGTCAGAGAATGG[C>T]GACTCCGGTATGAAGGGGGCCCAGCTCAGTTCCGGGGCCTCTAAGTTTCCTCCAGGTAAG-3'
Protein context (NP_001157903.2, residues 183-203): FNSGKMSSEN[Gly193=]DSGMKGAQLS